The following is an entry in ClinVar:

NM_000090.4(COL3A1):c.3388A>G (p.Ile1130Val)

Gene: COL3A1 (collagen type III alpha 1 chain; plus strand). Cytogenetic location: 2q32.2.
Variant type: single nucleotide variant.
Coding change: c.3388A>G on transcript NM_000090.4 (MANE Select); coding-DNA position 3388, A replaced by G.
Protein change: p.Ile1130Val; replaces isoleucine 1130 with valine.
Molecular consequence: missense variant.
Genome position (GRCh38, 1-based): chr2:189,007,909, A>G. VCF-style: chr2-189007909-A-G. GRCh37 (hg19) VCF-style: chr2-189872635-A-G.
Other names: short protein forms I1130V.
Identifiers: ClinVar variation 2775150 (VCV002775150.2), dbSNP rs2469163010, ClinGen allele CA349846103.
Genomic context (GRCh38, chr2:189,007,909, plus strand): 5'-GGCCTTCACTCCTATGTACACTTCCTTTCTTTCCAGGGCCCTGCTGGTCAGCAGGGTGCA[A>G]TCGGCAGTCCAGGACCTGCAGGCCCCAGAGTAAGTAGCACAGAAAGATATTACAGGTCCA-3'
Protein context (NP_000081.2, residues 1120-1140): SPGPAGQQGA[Ile1130Val]GSPGPAGPRG

ClinVar aggregate classification (germline): Uncertain significance (1 of 4 stars; one submission).

Conditions:
Familial thoracic aortic aneurysm and aortic dissection (TAAD). Also called: Thoracic aortic aneurysms and dissections. Identifiers: Orphanet 91387, MedGen C4707243, MONDO:0019625.

Allele frequency attached by ClinVar (database versions not stated): gnomAD exomes below 0.00001.
gnomAD v4.1: 4 of 1,614,120 alleles (0.00025%); highest among the groups gnomAD compares: Middle Eastern, 0.017%; no homozygotes.

Submission:

Color Diagnostics, LLC DBA Color Health
Classification: Uncertain significance for Familial thoracic aortic aneurysm and aortic dissection. Last evaluated: 2022-11-06. Review status: criteria provided, single submitter. Criteria: ACMG Guidelines, 2015. Collection method: clinical testing. Allele origin: germline.
Comment: This missense variant replaces isoleucine with valine at codon 1130 of the COL3A1 protein. Computational prediction suggests that this variant may not impact protein structure and function (internally defined REVEL score threshold <= 0.5, PMID: 27666373). To our knowledge, functional studies have not been reported for this variant. This variant has not been reported in individuals affected with COL3A1-related disorders in the literature. This variant has not been identified in the general population by the Genome Aggregation Database (gnomAD). The available evidence is insufficient to determine the role of this variant in disease conclusively. Therefore, this variant is classified as a Variant of Uncertain Significance.